The following is an entry in ClinVar:

NM_001848.3(COL6A1):c.1833C>T (p.Cys611=)

Gene: COL6A1 (collagen type VI alpha 1 chain; plus strand). Cytogenetic location: 21q22.3.
Variant type: single nucleotide variant.
Coding change: c.1833C>T on transcript NM_001848.3 (MANE Select); coding-DNA position 1833, C replaced by T.
Protein change: p.Cys611=; no amino-acid change (cysteine 611 retained).
Molecular consequence: synonymous variant.
Genome position (GRCh38, 1-based): chr21:46,001,263, C>T. VCF-style: chr21-46001263-C-T. GRCh37 (hg19) VCF-style: chr21-47421177-C-T.
Identifiers: ClinVar variation 93839 (VCV000093839.23), dbSNP rs142554239, ClinGen allele CA147350.

ClinVar aggregate classification (germline): Benign/Likely benign. Review status: criteria provided, multiple submitters, no conflicts (2 of 4 stars). 7 submissions from 7 submitters: Benign (3); Likely benign (4). Last evaluated 2025-12-15.

Conditions:
Bethlem myopathy 1A. Also called: Bethlem Muscular Dystrophy; MYOPATHY, BENIGN CONGENITAL, WITH CONTRACTURES; Bethlem myopathy 1. Identifiers: Orphanet 610, MedGen CN029274, MONDO:0024530, OMIM 158810.
Collagen 6-related myopathy. Identifiers: MedGen CN117976, MONDO:0100225.

Allele frequency attached by ClinVar (database versions not stated): gnomAD exomes 0.00016 and 0.00039; ExAC 0.00060; gnomAD 0.00163 and 0.00167; 1000 Genomes Project 0.00180; ESP Exome Variant Server 0.00185; TOPMed 0.00189; 1000 Genomes Project 30x 0.00281.
gnomAD v4.1: 484 of 1,608,560 alleles (0.03%); highest among the groups gnomAD compares: African/African-American, 0.6%; no homozygotes.

Submissions (7):

Labcorp Genetics (formerly Invitae), Labcorp
Classification: Benign for Bethlem myopathy 1A. Last evaluated: 2025-12-15. Review status: criteria provided, single submitter. Criteria: Invitae Variant Classification Sherloc (09022015). Collection method: clinical testing. Allele origin: germline.

Blueprint Genetics
Classification: Likely benign. Last evaluated: 2024-11-25. Review status: criteria provided, single submitter. Criteria: ACMG Guidelines, 2015. Collection method: clinical testing. Allele origin: germline.

GeneDx
Classification: Likely benign. Last evaluated: 2020-07-10. Review status: criteria provided, single submitter. Criteria: GeneDx Variant Classification Process June 2021. Collection method: clinical testing. Allele origin: germline. Affected: yes.

Illumina Laboratory Services, Illumina
Classification: Benign for Collagen VI-related myopathy. Last evaluated: 2018-01-12. Review status: criteria provided, single submitter. Criteria: ICSL Variant Classification Criteria 13 December 2019. Collection method: clinical testing. Allele origin: germline.
Comment: This variant was observed in the ICSL laboratory as part of a predisposition screen in an ostensibly healthy population. It had not been previously curated by ICSL or reported in the Human Gene Mutation Database (HGMD: prior to June 1st, 2018), and was therefore a candidate for classification through an automated scoring system. Utilizing variant allele frequency, disease prevalence and penetrance estimates, and inheritance mode, an automated score was calculated to assess if this variant is too frequent to cause the disease. Based on the score and internal cut-off values, a variant classified as benign is not then subjected to further curation. The score for this variant resulted in a classification of benign for this disease.

Eurofins Ntd Llc (ga)
Classification: Benign. Last evaluated: 2012-09-07. Review status: criteria provided, single submitter. Criteria: EGL Classification Definitions 2015. Collection method: clinical testing. Allele origin: germline. Observed: 1 variant allele, 1 heterozygote.

Breakthrough Genomics
Classification: Likely benign. Review status: criteria provided, single submitter. Criteria: ACMG Guidelines, 2015. Collection method: not provided. Allele origin: germline. Inheritance: Autosomal recessive inheritance. Affected: yes.

PreventionGenetics, part of Exact Sciences
Classification: Likely benign. Review status: criteria provided, single submitter. Criteria: ACMG Guidelines, 2015. Collection method: clinical testing. Allele origin: germline.